The following is an entry in ClinVar:

ClinVar aggregate classification (germline): Pathogenic. Review status: criteria provided, multiple submitters, no conflicts (2 of 4 stars). 10 submissions from 10 submitters: Pathogenic (8). 2 of the submissions do not count toward it. Last evaluated 2026-05-12.

Conditions:
Spastic paraplegia 30A, autosomal dominant. Identifiers: MedGen CN380650, MONDO:0700307, OMIM 610357.
Inborn genetic diseases. Identifiers: MedGen C0950123, MeSH D030342.
Hereditary spastic paraplegia 30. Identifiers: Orphanet 101010, MedGen C5235139, MONDO:0012476.
Neuropathy, hereditary sensory, type 2C. Also called: Hereditary sensory and autonomic neuropathy type IIC; KIF1A-Related HSAN2 (HSAN2C). Identifiers: Orphanet 970, MedGen C3280168, MONDO:0013634, OMIM 614213.
Intellectual disability, autosomal dominant 9 (NESCAVS). Also called: NESCAV SYNDROME; KIF1A-Related Neurodevelopmental Disorder. Identifiers: Orphanet 662367, MedGen C5393830, MONDO:0013656, OMIM 614255.
Neurodevelopmental delay. Identifiers: MedGen C4022738, HP:0012758.

Submissions (10):

Ambry Genetics
Classification: Pathogenic for Inborn genetic diseases. Last evaluated: 2026-05-12. Review status: criteria provided, single submitter. Criteria: Ambry Variant Classification Scheme 2023. Collection method: clinical testing. Allele origin: germline.
Comment: The c.173C>T (p.S58L) alteration is located in exon 3 (coding exon 2) of the KIF1A gene. This alteration results from a C to T substitution at nucleotide position 173, causing the serine (S) at amino acid position 58 to be replaced by a leucine (L). for autosomal dominant KIF1A-related neuronal disorder; however, its clinical significance for autosomal recessive KIF1A-related spastic paraplegia is uncertain. This variant was not reported in population-based cohorts in the Genome Aggregation Database (gnomAD). This variant was reported in individual(s) with features consistent with KIF1A-related neuronal disorder; in at least one individual, it was determined to be de novo (Lee, 2015; Megahed, 2016; Vissers, 2017; Sun, 2019; Ambry internal data). Other variant(s) at the same codon, c.173C>G (p.S58W) have been identified in individual(s) with features consistent with KIF1A-related neuronal disorder (Mitsutake, 2024). This amino acid position is highly conserved in available vertebrate species. This missense variant is located in a region that has a low rate of benign missense variation (Lek, 2016; Firth, 2009). This alteration is predicted to be deleterious by in silico analysis. Based on the available evidence, this alteration is classified as pathogenic.

3billion
Classification: Pathogenic for Spastic paraplegia 30A, autosomal dominant. Last evaluated: 2025-12-04. Review status: criteria provided, single submitter. Criteria: ACMG Guidelines, 2015. Collection method: clinical testing. Allele origin: germline. Affected: yes.
Comment: The variant is not observed in the gnomAD v4.1.0 dataset. Predicted Consequence/Location: The variant is located in a mutational hot spot and/or well-established functional domain in which established pathogenic variants have been reported (PMID: 31488895). In silico tool predictions suggest damaging effect of the variant on gene or gene product [REVEL: 0.94 (>=0.6, sensitivity 0.68 and specificity 0.92); 3Cnet: 1.00 (> 0.75, sensitivity 0.96 and precision 0.92)]. The same nucleotide change resulting in the same amino acid change has been previously reported as pathogenic/likely pathogenic with strong evidence (ClinVar ID: VCV000162052 /PMID: 25265257). A different missense change at the same codon (p.Ser58Trp) has been reported to be associated with KIF1A-related disorder (ClinVar ID: VCV001349128 /PMID: 39730866). Therefore, this variant is classified as Pathogenic according to the recommendation of ACMG/AMP guideline.

GeneDx
Classification: Pathogenic. Last evaluated: 2022-07-07. Review status: criteria provided, single submitter. Criteria: GeneDx Variant Classification Process June 2021. Collection method: clinical testing. Allele origin: germline. Affected: yes.
Comment: In silico analysis supports that this missense variant has a deleterious effect on protein structure/function; Not observed at significant frequency in large population cohorts (gnomAD); This variant is associated with the following publications: (PMID: 28332297, 27146152, 34487232, 28333917, 29915382, 25265257, 31455732, 30612907, 26125038, 21820098, 21376300, 33880452)

Labcorp Genetics (formerly Invitae), Labcorp
Classification: Pathogenic for Hereditary spastic paraplegia 30; Neuropathy, hereditary sensory, type 2C; Intellectual disability, autosomal dominant 9. Last evaluated: 2021-04-02. Review status: criteria provided, single submitter. Criteria: Invitae Variant Classification Sherloc (09022015). Collection method: clinical testing. Allele origin: germline.
Comment: This variant is not present in population databases (ExAC no frequency). This sequence change replaces serine with leucine at codon 58 of the KIF1A protein (p.Ser58Leu). The serine residue is highly conserved and there is a large physicochemical difference between serine and leucine. This variant has been observed in individual(s) with autosomal dominant complicated hereditary spastic paraplegia (PMID: 25265257, 27146152, 28333917, 29915382). In at least one individual the variant was observed to be de novo. ClinVar contains an entry for this variant (Variation ID: 162052). For these reasons, this variant has been classified as Pathogenic. Algorithms developed to predict the effect of missense changes on protein structure and function (SIFT, PolyPhen-2, Align-GVGD) all suggest that this variant is likely to be disruptive, but these predictions have not been confirmed by published functional studies and their clinical significance is uncertain.

Mendelics
Classification: Pathogenic for Spastic paraplegia 30A, autosomal dominant. Last evaluated: 2019-05-28. Review status: criteria provided, single submitter. Criteria: Mendelics Assertion Criteria 2017. Collection method: clinical testing. Allele origin: unknown.

Genetic Services Laboratory, University of Chicago
Classification: Pathogenic for Mental retardation, autosomal dominant 9. Last evaluated: 2016-03-10. Review status: criteria provided, single submitter. Criteria: ACMG Guidelines, 2015. Collection method: clinical testing. Allele origin: germline. Affected: yes.

Centre de Biologie Pathologie Génétique, Centre Hospitalier Universitaire de Lille
Classification: Pathogenic for Neurodevelopmental delay. Review status: criteria provided, single submitter. Criteria: ACMG Guidelines, 2015. Collection method: clinical testing. Allele origin: de novo. Affected: yes.

Paris Brain Institute, Inserm - ICM
Classification: Pathogenic for Spastic paraplegia 30A, autosomal dominant. Review status: criteria provided, single submitter. Criteria: ACMG Guidelines, 2015. Collection method: clinical testing. Allele origin: unknown. Affected: yes. Observed: 1 variant allele.

Molecular Genetics Laboratory, BC Children's and BC Women's Hospitals
Classification: Pathogenic for Intellectual disability, autosomal dominant 9. Last evaluated: 2017-08-28. Review status: no assertion criteria provided. Criteria: ACMG Guidelines, 2015. Collection method: clinical testing. Allele origin: de novo. Affected: yes. Not counted in ClinVar's aggregate classification.

CHU Sainte-Justine Research Center, University of Montreal
Classification: Likely pathogenic for Mental retardation, autosomal dominant 9. Last evaluated: 2014-01-01. Review status: no assertion criteria provided. Collection method: clinical testing. Allele origin: de novo. Inheritance: Sporadic. Affected: yes. Observed: 1 variant allele, 1 heterozygote. Not counted in ClinVar's aggregate classification.

Literature cited by the submitters: PubMed 25265257 (cited by 4 submitters); PubMed 27146152 (cited by Ambry Genetics and Labcorp Genetics (formerly Invitae), Labcorp); PubMed 28333917 (cited by Ambry Genetics and Labcorp Genetics (formerly Invitae), Labcorp); PubMed 29915382 (cited by Ambry Genetics and Labcorp Genetics (formerly Invitae), Labcorp); PubMed 37784170 (cited by Ambry Genetics); PubMed 39730866 (cited by Ambry Genetics and 3billion).

NM_001244008.2(KIF1A):c.173C>T (p.Ser58Leu)

Gene: KIF1A (kinesin family member 1A; minus strand). Cytogenetic location: 2q37.3.
Variant type: single nucleotide variant.
Coding change: c.173C>T on transcript NM_001244008.2 (MANE Select); coding-DNA position 173, C replaced by T.
Protein change: p.Ser58Leu; replaces serine 58 with leucine.
Molecular consequence: missense variant.
Genome position (GRCh38, 1-based): chr2:240,789,246, G>A on the plus strand (C>T on the coding strand, the complement: KIF1A is on the minus strand). VCF-style: chr2-240789246-G-A. GRCh37 (hg19) VCF-style: chr2-241728663-G-A.
Other names: c.173C>T, p.Ser58Leu (NM_001320705.2, NM_001330289.2, NM_001330290.2 and 20 more transcripts); c.173C>T (NM_004321.6); short protein forms S58L.
Identifiers: ClinVar variation 162052 (VCV000162052.24), dbSNP rs672601362, ClinGen allele CA212612.